The following is an entry in ClinVar:

NM_020247.5(COQ8A):c.1721A>G (p.Glu574Gly)

Gene: COQ8A (coenzyme Q8A; plus strand). Cytogenetic location: 1q42.13.
Variant type: single nucleotide variant.
Coding change: c.1721A>G on transcript NM_020247.5 (MANE Select); coding-DNA position 1721, A replaced by G.
Protein change: p.Glu574Gly; replaces glutamic acid 574 with glycine.
Molecular consequence: missense variant.
Genome position (GRCh38, 1-based): chr1:226,986,514, A>G. VCF-style: chr1-226986514-A-G. GRCh37 (hg19) VCF-style: chr1-227174215-A-G.
Other names: short protein forms E574G.
Identifiers: ClinVar variation 1975572 (VCV001975572.2), dbSNP rs2528411258, ClinGen allele CA345056792.
Genomic context (GRCh38, chr1:226,986,514, plus strand): 5'-TCATGGAAGACGCCCACTTGGATGCCATCCTCATCCTGGGGGAGGCCTTCGCCTCTGATG[A>G]GCCTTTTGATTTTGGCACTCAGAGCACCACCGAGAAGATCCACAACCTGATTCCCGTCAT-3'
Protein context (NP_064632.2, residues 564-584): LILGEAFASD[Glu574Gly]PFDFGTQSTT

ClinVar aggregate classification (germline): Uncertain significance (1 of 4 stars; one submission).

Submission:

Labcorp Genetics (formerly Invitae), Labcorp
Classification: Uncertain significance. Last evaluated: 2022-04-19. Review status: criteria provided, single submitter. Criteria: Invitae Variant Classification Sherloc (09022015). Collection method: clinical testing. Allele origin: germline.
Comment: This sequence change replaces glutamic acid, which is acidic and polar, with glycine, which is neutral and non-polar, at codon 574 of the COQ8A protein (p.Glu574Gly). This variant is not present in population databases (gnomAD no frequency). This variant has not been reported in the literature in individuals affected with COQ8A-related conditions. Advanced modeling of protein sequence and biophysical properties (such as structural, functional, and spatial information, amino acid conservation, physicochemical variation, residue mobility, and thermodynamic stability) performed at Invitae indicates that this missense variant is not expected to disrupt COQ8A protein function. In summary, the available evidence is currently insufficient to determine the role of this variant in disease. Therefore, it has been classified as a Variant of Uncertain Significance.